The following is an entry in ClinVar:

ClinVar aggregate classification (germline): Likely benign (0 of 4 stars; one submission).

Conditions:
GNAS-related disorder. Identifiers: MedGen CN380105.

Submission:

PreventionGenetics, part of Exact Sciences
Classification: Likely benign for GNAS-related condition. Last evaluated: 2021-02-05. Review status: no assertion criteria provided. Collection method: clinical testing. Allele origin: germline.
Comment: This variant is classified as likely benign based on ACMG/AMP sequence variant interpretation guidelines (Richards et al. 2015 PMID: 25741868, with internal and published modifications).

NM_000516.7(GNAS):c.-7C>A

Gene: GNAS (GNAS complex locus; plus strand). Cytogenetic location: 20q13.32.
Variant type: single nucleotide variant.
Coding change: c.-7C>A on transcript NM_000516.7 (MANE Select); 7 bases upstream of the start codon, C replaced by A.
Molecular consequence: 5 prime UTR variant. On other transcripts: intron variant (8).
Genome position (GRCh38, 1-based): chr20:58,891,720, C>A. VCF-style: chr20-58891720-C-A. GRCh37 (hg19) VCF-style: chr20-57466775-C-A.
Other names: c.-7C>A (NM_001077488.5, NM_001077489.4, NM_001309842.2 and 1 more transcripts); c.*43-3892C>A (NM_016592.5); c.44-3892C>A (NM_001410912.1); c.-38-3892C>A (NM_001309861.2); c.*1-3892C>A (NM_001077490.3); c.2069-3892C>A (NM_080425.4, NM_001410913.1); c.*159-3892C>A (NM_001309883.1); c.-39+2367C>A (NM_001309840.2).
Identifiers: ClinVar variation 3358445 (VCV003358445.1).